The following is an entry in ClinVar:

NM_000424.4(KRT5):c.1475-6C>T

Gene: KRT5 (keratin 5; minus strand). Cytogenetic location: 12q13.13.
Variant type: single nucleotide variant.
Coding change: c.1475-6C>T on transcript NM_000424.4 (MANE Select); 6 bases into the intron before coding-DNA position 1475, C replaced by T.
Molecular consequence: intron variant.
Genome position (GRCh38, 1-based): chr12:52,515,246, G>A on the plus strand (C>T on the coding strand, the complement: KRT5 is on the minus strand). VCF-style: chr12-52515246-G-A. GRCh37 (hg19) VCF-style: chr12-52909030-G-A.
Identifiers: ClinVar variation 309559 (VCV000309559.14), dbSNP rs142320369, ClinGen allele CA6582479.

ClinVar aggregate classification (germline): Benign/Likely benign. Review status: criteria provided, multiple submitters, no conflicts (2 of 4 stars). 3 submissions from 3 submitters: Benign (2); Likely benign (1). Last evaluated 2024-12-20.

Conditions:
KRT5-related disorder. Also called: KRT5-related condition.
Epidermolysis bullosa simplex. Also called: Epidermolysis bullosa simplex, Weber-Cockayne type (subtype); Epidermolysis bullosa simplex, Dowling-Meara type (subtype); Epidermolysis bullosa simplex with mottled pigmentation (subtype). Identifiers: Orphanet 304, MedGen C0079298, MONDO:0017610.

Allele frequency attached by ClinVar (database versions not stated): gnomAD exomes 0.00010 and 0.00021; ExAC 0.00025; 1000 Genomes Project 30x 0.00047; 1000 Genomes Project 0.00060; gnomAD 0.00094 and 0.00105; TOPMed 0.00101; ESP Exome Variant Server 0.00123.
gnomAD v4.1: 302 of 1,604,802 alleles (0.019%); highest among the groups gnomAD compares: African/African-American, 0.35%; 1 homozygote.

Submissions (3):

PreventionGenetics, part of Exact Sciences
Classification: Likely benign for KRT5-related condition. Last evaluated: 2024-12-20. Review status: criteria provided, single submitter. Criteria: ACMG Guidelines, 2015. Collection method: clinical testing. Allele origin: germline.
Comment: This variant is classified as likely benign based on ACMG/AMP sequence variant interpretation guidelines (Richards et al. 2015 PMID: 25741868, with internal and published modifications).

Labcorp Genetics (formerly Invitae), Labcorp
Classification: Benign. Last evaluated: 2022-07-09. Review status: criteria provided, single submitter. Criteria: Invitae Variant Classification Sherloc (09022015). Collection method: clinical testing. Allele origin: germline.

Illumina Laboratory Services, Illumina
Classification: Benign for Epidermolysis bullosa simplex. Last evaluated: 2018-01-13. Review status: criteria provided, single submitter. Criteria: ICSL Variant Classification Criteria 13 December 2019. Collection method: clinical testing. Allele origin: germline.
Comment: This variant was observed in the ICSL laboratory as part of a predisposition screen in an ostensibly healthy population. It had not been previously curated by ICSL or reported in the Human Gene Mutation Database (HGMD: prior to June 1st, 2018), and was therefore a candidate for classification through an automated scoring system. Utilizing variant allele frequency, disease prevalence and penetrance estimates, and inheritance mode, an automated score was calculated to assess if this variant is too frequent to cause the disease. Based on the score and internal cut-off values, a variant classified as benign is not then subjected to further curation. The score for this variant resulted in a classification of benign for this disease.